The following is an entry in ClinVar:

ClinVar aggregate classification (germline): Uncertain significance. Review status: criteria provided, multiple submitters, no conflicts (2 of 4 stars). 2 submissions from 2 submitters: Uncertain significance (2). Last evaluated 2025-07-24.

Submissions (2):

GeneDx
Classification: Uncertain significance. Last evaluated: 2025-07-24. Review status: criteria provided, single submitter. Criteria: GeneDx Variant Classification Process June 2021. Collection method: clinical testing. Allele origin: germline.
Comment: Not observed at significant frequency in large population cohorts (gnomAD); In silico analysis supports that this missense variant has a deleterious effect on protein structure/function; Has not been previously published as pathogenic or benign to our knowledge

Labcorp Genetics (formerly Invitae), Labcorp
Classification: Uncertain significance. Last evaluated: 2023-10-03. Review status: criteria provided, single submitter. Criteria: Invitae Variant Classification Sherloc (09022015). Collection method: clinical testing. Allele origin: germline.
Comment: This sequence change replaces methionine, which is neutral and non-polar, with threonine, which is neutral and polar, at codon 564 of the ATP2B2 protein (p.Met564Thr). This variant is not present in population databases (gnomAD no frequency). This variant has not been reported in the literature in individuals affected with ATP2B2-related conditions. ClinVar contains an entry for this variant (Variation ID: 1448246). Advanced modeling of protein sequence and biophysical properties (such as structural, functional, and spatial information, amino acid conservation, physicochemical variation, residue mobility, and thermodynamic stability) performed at Invitae indicates that this missense variant is expected to disrupt ATP2B2 protein function. In summary, the available evidence is currently insufficient to determine the role of this variant in disease. Therefore, it has been classified as a Variant of Uncertain Significance.

NM_001001331.4(ATP2B2):c.1826T>C (p.Met609Thr)

Gene: ATP2B2 (ATPase plasma membrane Ca2+ transporting 2; minus strand). Cytogenetic location: 3p25.3.
Variant type: single nucleotide variant.
Coding change: c.1826T>C on transcript NM_001001331.4 (MANE Select); coding-DNA position 1826, T replaced by C.
Protein change: p.Met609Thr; replaces methionine 609 with threonine.
Molecular consequence: missense variant.
Genome position (GRCh38, 1-based): chr3:10,359,957, A>G on the plus strand (T>C on the coding strand, the complement: ATP2B2 is on the minus strand). VCF-style: chr3-10359957-A-G. GRCh37 (hg19) VCF-style: chr3-10401641-A-G.
Other names: c.1691T>C, p.Met564Thr (NM_001330611.3, NM_001353564.1, NM_001363862.1 and 1 more transcripts); c.1691T>C (NM_001683.3); short protein forms M609T, M564T.
Identifiers: ClinVar variation 1448246 (VCV001448246.8), dbSNP rs2125450656, ClinGen allele CA351781307.